The following is an entry in ClinVar:

ClinVar aggregate classification (germline): Uncertain significance. Review status: criteria provided, multiple submitters, no conflicts (2 of 4 stars). 15 submissions from 15 submitters: Uncertain significance (13). 2 of the submissions do not count toward it. Last evaluated 2026-09-10.

Conditions:
MYBPC3-related disorder. Also called: MYBPC3-related disorders; MYBPC3-related condition; MYBPC3-related disease.
Cardiovascular phenotype. Identifiers: MedGen CN230736.
Hypertrophic cardiomyopathy 4. Also called: Familial hypertrophic cardiomyopathy 4. Identifiers: MedGen C1861862, MONDO:0007268, OMIM 115197.
Left ventricular noncompaction 10 (LVNC10). Identifiers: Orphanet 154, Orphanet 54260, MedGen C3715165, MONDO:0014163, OMIM 615396.
Cardiomyopathy (CMYO). Also called: Cardiomyopathies. Identifiers: Orphanet 167848, MedGen C0878544, MONDO:0004994, HP:0001638. Inheritance: Various modes of inheritance.
Hypertrophic cardiomyopathy. Also called: HYPERTROPHIC MYOCARDIOPATHY. Identifiers: Orphanet 217569, MedGen C0007194, MeSH D002312, MONDO:0005045, HP:0001639.

Allele frequency attached by ClinVar (database versions not stated): gnomAD exomes 0.00003; gnomAD 0.00007; TOPMed 0.00009; ExAC 0.00010.
gnomAD v4.1: 51 of 1,563,066 alleles (0.0033%); highest among the groups gnomAD compares: African/African-American, 0.0068%; no homozygotes.

Submissions (15):

PreventionGenetics, part of Exact Sciences
Classification: Uncertain significance for MYBPC3-related condition. Last evaluated: 2026-09-10. Review status: criteria provided, single submitter. Criteria: ACMG Guidelines, 2015. Collection method: clinical testing. Allele origin: germline.
Comment: The MYBPC3 c.2672G>A variant is predicted to result in the amino acid substitution p.Arg891Gln. This variant has been reported as a variant of uncertain significance in an individual with hypertrophic cardiomyopathy (Table S1, Ho et al. 2018. PubMed ID: 30297972; Table S2, Thompson et al. 2021. PubMed ID: 33782553) and in an individual with dilated cardiomyopathy (Table S3, Mazzarotto et al. 2020. PubMed ID: 31983221). This variant is reported in 0.010% of alleles in individuals of African descent in gnomAD and is interpreted as uncertain significance in ClinVar (Variation ID: 177884). At this time, the clinical significance of this variant is uncertain due to the absence of conclusive functional and genetic evidence.

GeneDx
Classification: Uncertain significance. Last evaluated: 2026-02-02. Review status: criteria provided, single submitter. Criteria: GeneDx Variant Classification Process June 2021. Collection method: clinical testing. Allele origin: germline. Affected: yes.
Comment: In silico analysis supports that this missense variant has a deleterious effect on protein structure/function; Identified in patients with cardiomyopathy referred for genetic testing at GeneDx and in published literature (PMID: 30297972, 31983221, 37477868, Lee TM et al. (2024) Progress in Pediatric Cardiology. 74 :101732); This variant is associated with the following publications: (PMID: 31983221, 33782553, 30297972, 32841044, 30681346, Lee2024[article], 37477868)

Labcorp Genetics (formerly Invitae), Labcorp
Classification: Uncertain significance for Hypertrophic cardiomyopathy. Last evaluated: 2026-01-10. Review status: criteria provided, single submitter. Criteria: Invitae Variant Classification Sherloc (09022015). Collection method: clinical testing. Allele origin: germline.
Comment: This sequence change replaces arginine, which is basic and polar, with glutamine, which is neutral and polar, at codon 891 of the MYBPC3 protein (p.Arg891Gln). This variant is present in population databases (rs727504378, gnomAD 0.01%). This missense change has been observed in individual(s) with dilated cardiomyopathy and/or hypertrophic cardiomyopathy (PMID: 30297972, 31983221). ClinVar contains an entry for this variant (Variation ID: 177884). An algorithm developed to predict the effect of missense changes on protein structure and function (PolyPhen-2) suggests that this variant is likely to be disruptive. In summary, the available evidence is currently insufficient to determine the role of this variant in disease. Therefore, it has been classified as a Variant of Uncertain Significance.

Ambry Genetics
Classification: Uncertain significance for Cardiovascular phenotype. Last evaluated: 2025-07-07. Review status: criteria provided, single submitter. Criteria: Ambry Variant Classification Scheme 2023. Collection method: clinical testing. Allele origin: germline.
Comment: The p.R891Q variant (also known as c.2672G>A), located in coding exon 26 of the MYBPC3 gene, results from a G to A substitution at nucleotide position 2672. The arginine at codon 891 is replaced by glutamine, an amino acid with highly similar properties. This alteration has been reported in a hypertrophic cardiomyopathy (HCM) cohort (Ho CY et al. Circulation, 2018 10;138:1387-1398). This amino acid position is highly conserved in available vertebrate species. In addition, this alteration is predicted to be tolerated by in silico analysis. Since supporting evidence is limited at this time, the clinical significance of this alteration remains unclear.

Molecular Diagnostic Laboratory for Inherited Cardiovascular Disease, Montreal Heart Institute
Classification: Uncertain significance for Cardiovascular phenotype. Last evaluated: 2025-04-08. Review status: criteria provided, single submitter. Criteria: ACMG Guidelines, 2015. Collection method: clinical testing. Allele origin: germline. Affected: yes.
Comment: PM2

Genomic Medicine Center of Excellence, King Faisal Specialist Hospital and Research Centre
Classification: Uncertain significance for Hypertrophic cardiomyopathy 4. Last evaluated: 2024-12-18. Review status: criteria provided, single submitter. Criteria: ACMG Guidelines, 2015. Collection method: clinical testing. Allele origin: germline.

All of Us Research Program, National Institutes of Health
Classification: Uncertain significance for Hypertrophic cardiomyopathy. Last evaluated: 2024-09-23. Review status: criteria provided, single submitter. Criteria: ACMG Guidelines, 2015. Collection method: clinical testing. Allele origin: germline. Inheritance: Autosomal dominant inheritance. Observed: 13 variant alleles, 13 heterozygotes.
Comment: This missense variant replaces arginine with glutamine at codon 891 of the MYBPC3 protein. Computational prediction tools indicate that this variant has a neutral impact on protein structure and function. To our knowledge, functional studies have not been reported for this variant. This variant has been reported in one individual affected with hypertrophic cardiomyopathy (PMID: 30297972, 32841044, 33782553), in one individual affected with dilated cardiomyopathy (PMID: 31983221), and in one individual affected with an unspecified cardiomyopathy (PMID: 37477868). This variant has been identified in 9/220182 chromosomes in the general population by the Genome Aggregation Database (gnomAD). The available evidence is insufficient to determine the role of this variant in disease conclusively. Therefore, this variant is classified as a Variant of Uncertain Significance.

This study involves interpretation of variants in research participants for the purpose of population health screening. Participant phenotype was not available at the time of variant classification. Additional details can be found in publication PMID: 35346344, PMCID: PMC8962531

Color Diagnostics, LLC DBA Color Health
Classification: Uncertain significance for Cardiomyopathy. Last evaluated: 2024-03-05. Review status: criteria provided, single submitter. Criteria: ACMG Guidelines, 2015. Collection method: clinical testing. Allele origin: germline.
Comment: This missense variant replaces arginine with glutamine at codon 891 of the MYBPC3 protein. Computational prediction tools indicate that this variant has a neutral impact on protein structure and function. To our knowledge, functional studies have not been reported for this variant. This variant has been reported in one individual affected with hypertrophic cardiomyopathy (PMID: 30297972, 32841044, 33782553), in one individual affected with dilated cardiomyopathy (PMID: 31983221), and in one individual affected with an unspecified cardiomyopathy (PMID: 37477868). This variant has been identified in 9/220182 chromosomes in the general population by the Genome Aggregation Database (gnomAD). The available evidence is insufficient to determine the role of this variant in disease conclusively. Therefore, this variant is classified as a Variant of Uncertain Significance.

Blueprint Genetics
Classification: Uncertain significance. Last evaluated: 2022-11-17. Review status: criteria provided, single submitter. Criteria: ACMG Guidelines, 2015. Collection method: clinical testing. Allele origin: germline.

Mayo Clinic Laboratories, Mayo Clinic
Classification: Uncertain significance. Last evaluated: 2022-02-15. Review status: criteria provided, single submitter. Criteria: ACMG Guidelines, 2015. Collection method: clinical testing. Allele origin: germline. Observed: 3 variant alleles.

Fulgent Genetics
Classification: Uncertain significance for Hypertrophic cardiomyopathy 4; Left ventricular noncompaction 10. Last evaluated: 2021-10-09. Review status: criteria provided, single submitter. Criteria: ACMG Guidelines, 2015. Collection method: clinical testing. Allele origin: unknown.

CHEO Genetics Diagnostic Laboratory, Children's Hospital of Eastern Ontario
Classification: Uncertain significance for Cardiomyopathy. Last evaluated: 2017-04-24. Review status: criteria provided, single submitter. Criteria: ACMG Guidelines, 2015. Collection method: clinical testing. Allele origin: germline. Study: Canadian Open Genetics Repository.

Laboratory for Molecular Medicine, Mass General Brigham Personalized Medicine
Classification: Uncertain significance. Last evaluated: 2014-04-09. Review status: criteria provided, single submitter. Criteria: LMM Criteria. Collection method: clinical testing. Allele origin: germline. Observed: 1 variant allele.
Comment: The Arg891Gln variant in MYBPC3 has not been previously reported in individuals with cardiomyopathy and data from large population studies is insufficient to as sess its frequency in the general population. Arginine (Arg) at position 891 is highly conserved in evolution and computational prediction tools suggest that th is variant may impact the protein, though this information is not predictive eno ugh to determine pathogenicity. Additional studies a re needed to fully assess its clinical significance.

Diagnostic Laboratory, Department of Genetics, University Medical Center Groningen
Classification: Uncertain significance. Review status: no assertion criteria provided. Collection method: clinical testing. Allele origin: germline. Affected: yes. Study: VKGL Data-share Consensus. Not counted in ClinVar's aggregate classification.

Joint Genome Diagnostic Labs from Nijmegen and Maastricht, Radboudumc and MUMC+
Classification: Uncertain significance. Review status: no assertion criteria provided. Collection method: clinical testing. Allele origin: germline. Affected: yes. Study: VKGL Data-share Consensus. Not counted in ClinVar's aggregate classification.

Literature cited by the submitters: PubMed 30297972 (cited by 5 submitters); PubMed 31983221 (cited by 3 submitters); PubMed 32841044 (cited by All of Us Research Program, National Institutes of Health and Color Diagnostics, LLC DBA Color Health); PubMed 33782553 (cited by 3 submitters); PubMed 37477868 (cited by All of Us Research Program, National Institutes of Health and Color Diagnostics, LLC DBA Color Health).

NM_000256.3(MYBPC3):c.2672G>A (p.Arg891Gln)

Gene: MYBPC3 (myosin binding protein C3; minus strand). Cytogenetic location: 11p11.2.
Variant type: single nucleotide variant.
Coding change: c.2672G>A on transcript NM_000256.3 (MANE Select); coding-DNA position 2672, G replaced by A.
Protein change: p.Arg891Gln; replaces arginine 891 with glutamine.
Molecular consequence: missense variant.
Genome position (GRCh38, 1-based): chr11:47,335,942, C>T on the plus strand (G>A on the coding strand, the complement: MYBPC3 is on the minus strand). VCF-style: chr11-47335942-C-T. GRCh37 (hg19) VCF-style: chr11-47357493-C-T.
Other names: p.R891Q:CGG>CAG; short protein forms R891Q.
Identifiers: ClinVar variation 177884 (VCV000177884.48), dbSNP rs727504378, ClinGen allele CA012826.
Genomic context (GRCh38, chr11:47,335,942, plus strand): 5'-TCTGGGCAGTACTCCACGCTGTAGCCATCCAGGCCTCCTGCTCCCACGCGCTCTGGGGGC[C>T]GCCACTTGAGGGAGACCGTGGTGTCAGAGACGTCCTCTACTGCCAGGTGGGTGGGTTCGC-3'
Protein context (NP_000247.2, residues 881-901): VSDTTVSLKW[Arg891Gln]PPERVGAGGL